The following is an entry in ClinVar:

NM_001127222.2(CACNA1A):c.1171G>A (p.Gly391Arg)

Gene: CACNA1A (calcium voltage-gated channel subunit alpha1 A; minus strand). Cytogenetic location: 19p13.13.
Variant type: single nucleotide variant.
Coding change: c.1171G>A on transcript NM_001127222.2 (MANE Select); coding-DNA position 1171, G replaced by A.
Protein change: p.Gly391Arg; replaces glycine 391 with arginine.
Molecular consequence: missense variant.
Genome position (GRCh38, 1-based): chr19:13,334,405, C>T on the plus strand (G>A on the coding strand, the complement: CACNA1A is on the minus strand). VCF-style: chr19-13334405-C-T. GRCh37 (hg19) VCF-style: chr19-13445219-C-T.
Other names: c.1171G>A, p.Gly391Arg (NM_000068.4, NM_001127221.2, NM_001174080.2 and 1 more transcripts); short protein forms G391R.
Identifiers: ClinVar variation 426536 (VCV000426536.14), dbSNP rs749309558, ClinGen allele CA9240905.

ClinVar aggregate classification (germline): Uncertain significance. Review status: criteria provided, multiple submitters, no conflicts (2 of 4 stars). 2 submissions from 2 submitters: Uncertain significance (2). Last evaluated 2025-11-04.

Conditions:
Episodic ataxia type 2 (EA2). Also called: ATAXIA, EPISODIC, WITH NYSTAGMUS; ATAXIA, FAMILIAL PAROXYSMAL; CEREBELLAR ATAXIA, PAROXYSMAL, ACETAZOLAMIDE-RESPONSIVE; CEREBELLOPATHY, HEREDITARY PAROXYSMAL; EPISODIC ATAXIA, NYSTAGMUS-ASSOCIATED; ACETAZOLAMIDE-RESPONSIVE HEREDITARY PAROXYSMAL CEREBELLAR ATAXIA. Identifiers: Orphanet 97, MedGen C1720416, MONDO:0007163, OMIM 108500.
Developmental and epileptic encephalopathy, 42 (DEE42A). Also called: Epileptic encephalopathy, early infantile, 42; DEVELOPMENTAL AND EPILEPTIC ENCEPHALOPATHY 42A; EPILEPTIC ENCEPHALOPATHY, EARLY INFANTILE, 42A. Identifiers: MedGen C4310716, MONDO:0014917, OMIM 617106.

Allele frequency attached by ClinVar (database versions not stated): gnomAD exomes below 0.00001 and 0.00001; TOPMed below 0.00001; ExAC 0.00001.
gnomAD v4.1: 2 of 1,598,174 alleles (0.00013%); highest among the groups gnomAD compares: Admixed American, 0.0033%; no homozygotes.

Submissions (2):

Labcorp Genetics (formerly Invitae), Labcorp
Classification: Uncertain significance for Developmental and epileptic encephalopathy, 42; Episodic ataxia type 2. Last evaluated: 2025-11-04. Review status: criteria provided, single submitter. Criteria: Invitae Variant Classification Sherloc (09022015). Collection method: clinical testing. Allele origin: germline.
Comment: This sequence change replaces glycine, which is neutral and non-polar, with arginine, which is basic and polar, at codon 391 of the CACNA1A protein (p.Gly391Arg). This variant is present in population databases (rs749309558, gnomAD 0.006%). This variant has not been reported in the literature in individuals affected with CACNA1A-related conditions. ClinVar contains an entry for this variant (Variation ID: 426536). Invitae Evidence Modeling of protein sequence and biophysical properties (such as structural, functional, and spatial information, amino acid conservation, physicochemical variation, residue mobility, and thermodynamic stability) indicates that this missense variant is expected to disrupt CACNA1A protein function with a positive predictive value of 95%. In summary, the available evidence is currently insufficient to determine the role of this variant in disease. Therefore, it has been classified as a Variant of Uncertain Significance.

GeneDx
Classification: Uncertain significance. Last evaluated: 2023-05-04. Review status: criteria provided, single submitter. Criteria: GeneDx Variant Classification Process June 2021. Collection method: clinical testing. Allele origin: germline. Affected: yes.
Comment: In silico analysis supports that this missense variant has a deleterious effect on protein structure/function; In addition, In silico analysis suggests this variant may impact gene splicing. In the absence of RNA/functional studies, the actual effect of this sequence change is unknown.; Has not been previously published as pathogenic or benign to our knowledge; This variant is associated with the following publications: (PMID: 26666653)